The following is an entry in ClinVar:

NM_001244008.2(KIF1A):c.609-8C>T

Gene: KIF1A (kinesin family member 1A; minus strand). Cytogenetic location: 2q37.3.
Variant type: single nucleotide variant.
Coding change: c.609-8C>T on transcript NM_001244008.2 (MANE Select); 8 bases into the intron before coding-DNA position 609, C replaced by T.
Molecular consequence: intron variant.
Genome position (GRCh38, 1-based): chr2:240,785,108, G>A on the plus strand (C>T on the coding strand, the complement: KIF1A is on the minus strand). VCF-style: chr2-240785108-G-A. GRCh37 (hg19) VCF-style: chr2-241724525-G-A.
Other names: c.609-8C>T (NM_001379653.1, NM_001379650.1, NM_001379645.1 and 21 more transcripts).
Identifiers: ClinVar variation 211296 (VCV000211296.27), dbSNP rs775915390, ClinGen allele CA206791.

ClinVar aggregate classification (germline): Likely benign. Review status: criteria provided, multiple submitters, no conflicts (2 of 4 stars). 5 submissions from 5 submitters: Likely benign (5). Last evaluated 2026-03-23.

Conditions:
KIF1A-related disorder. Also called: KIF1A-related disorders; KIF1A-related condition.
Neuropathy, hereditary sensory, type 2C. Also called: Hereditary sensory and autonomic neuropathy type IIC; KIF1A-Related HSAN2 (HSAN2C). Identifiers: Orphanet 970, MedGen C3280168, MONDO:0013634, OMIM 614213.
Intellectual disability, autosomal dominant 9 (NESCAVS). Also called: NESCAV SYNDROME; KIF1A-Related Neurodevelopmental Disorder. Identifiers: Orphanet 662367, MedGen C5393830, MONDO:0013656, OMIM 614255.
Hereditary spastic paraplegia 30. Identifiers: Orphanet 101010, MedGen C5235139, MONDO:0012476.

Allele frequency attached by ClinVar (database versions not stated): ExAC 0.00002; gnomAD 0.00005; gnomAD exomes 0.00005 and 0.00010; TOPMed 0.00007.
gnomAD v4.1: 151 of 1,609,250 alleles (0.0094%); highest among the groups gnomAD compares: Non-Finnish European, 0.012%; no homozygotes.

Submissions (5):

PreventionGenetics, part of Exact Sciences
Classification: Likely benign for KIF1A-related condition. Last evaluated: 2026-03-23. Review status: criteria provided, single submitter. Criteria: ACMG Guidelines, 2015. Collection method: clinical testing. Allele origin: germline.
Comment: This variant is classified as likely benign based on ACMG/AMP sequence variant interpretation guidelines (Richards et al. 2015 PMID: 25741868, with internal and published modifications).

Labcorp Genetics (formerly Invitae), Labcorp
Classification: Likely benign for Hereditary spastic paraplegia 30; Neuropathy, hereditary sensory, type 2C; Intellectual disability, autosomal dominant 9. Last evaluated: 2025-10-22. Review status: criteria provided, single submitter. Criteria: Invitae Variant Classification Sherloc (09022015). Collection method: clinical testing. Allele origin: germline.

Genetic Services Laboratory, University of Chicago
Classification: Likely benign. Last evaluated: 2019-11-27. Review status: criteria provided, single submitter. Criteria: ACMG Guidelines, 2015. Collection method: clinical testing. Allele origin: germline. Affected: no.

GeneDx
Classification: Likely benign. Last evaluated: 2019-05-10. Review status: criteria provided, single submitter. Criteria: GeneDx Variant Classification Process June 2021. Collection method: clinical testing. Allele origin: germline. Affected: yes.

ARUP Laboratories, Molecular Genetics and Genomics, ARUP Laboratories
Classification: Likely benign. Last evaluated: 2017-01-26. Review status: criteria provided, single submitter. Criteria: ARUP Molecular Germline Variant Investigation Process. Collection method: clinical testing. Allele origin: germline.